The following is an entry in ClinVar:

ClinVar aggregate classification (germline): Uncertain significance (1 of 4 stars; one submission).

gnomAD v4.1: 1 of 1,497,558 alleles (0.000067%); highest among the groups gnomAD compares: Non-Finnish European, 0.00009%; no homozygotes.

Submission:

Dasa
Classification: Uncertain significance. Last evaluated: 2025-12-15. Review status: criteria provided, single submitter. Criteria: DASA Assertion Criteria. Collection method: clinical testing. Allele origin: germline.
Comment: NM_002599.5(PDE2A):c.481G>A (p.Val161Ile) is a missense variant that results in the substitution of valine with isoleucine. This variant is rare in population databases. Computational prediction algorithms are consistent with a benign effect. The currently available literature and clinical evidence are not sufficient to establish a definitive association between this variant and the reported condition. Therefore, this variant is classified as a variant of uncertain significance.

NM_002599.5(PDE2A):c.481G>A (p.Val161Ile)

Gene: PDE2A (phosphodiesterase 2A; minus strand). Cytogenetic location: 11q13.4.
Variant type: single nucleotide variant.
Coding change: c.481G>A on transcript NM_002599.5 (MANE Select); coding-DNA position 481, G replaced by A.
Protein change: p.Val161Ile; replaces valine 161 with isoleucine.
Molecular consequence: missense variant.
Genome position (GRCh38, 1-based): chr11:72,596,601, C>T on the plus strand (G>A on the coding strand, the complement: PDE2A is on the minus strand). VCF-style: chr11-72596601-C-T. GRCh37 (hg19) VCF-style: chr11-72307645-C-T.
Other names: c.460G>A, p.Val154Ile (NM_001143839.4); c.454G>A, p.Val152Ile (NM_001146209.3); c.418G>A, p.Val140Ile (NM_001243784.2); short protein forms V140I, V152I, V154I, V161I.
Identifiers: ClinVar variation 4885652 (VCV004885652.2).
Genomic context (GRCh38, chr11:72,596,601, plus strand): 5'-TCCCTCCCATGGTCTCCTCTCCCTACATCCCACCGCCTAGGCAGGCTCTTACCAAGATGA[C>T]AGCTGCCACGGCCCCAGCCTCCTTGTCCGCTAGCGGCATGACCAGCACTGAGGGGGAGAG-3'
Protein context (NP_002590.1, residues 151-171): ADKEAGAVAA[Val161Ile]ILVHCGQLSD